The following is an entry in ClinVar:

ClinVar aggregate classification (germline): Benign. Review status: criteria provided, multiple submitters, no conflicts (2 of 4 stars). 5 submissions from 5 submitters: Benign (4). 1 of the submissions does not count toward it. Last evaluated 2026-02-04.

Conditions:
Dyskeratosis congenita. Identifiers: Orphanet 1775, MedGen C0265965, MONDO:0015780.
Cerebroretinal microangiopathy with calcifications and cysts 1 (CRMCC1). Identifiers: Orphanet 313838, MedGen C4552029, MONDO:0024564, OMIM 612199.
CTC1-related disorder. Also called: CTC1-related condition.

Allele frequency attached by ClinVar (database versions not stated): ESP Exome Variant Server 0.00008; gnomAD 0.00013 and 0.00109; TOPMed 0.00028; ExAC 0.00425; 1000 Genomes Project 30x 0.00656; 1000 Genomes Project 0.00719.
gnomAD v4.1: 2,855 of 1,613,824 alleles (0.18%); highest among the groups gnomAD compares: South Asian, 2.9%; 45 homozygotes.

Submissions (5):

Labcorp Genetics (formerly Invitae), Labcorp
Classification: Benign for Dyskeratosis congenita. Last evaluated: 2026-02-04. Review status: criteria provided, single submitter. Criteria: Invitae Variant Classification Sherloc (09022015). Collection method: clinical testing. Allele origin: germline.

Genome-Nilou Lab
Classification: Benign for Cerebroretinal microangiopathy with calcifications and cysts 1. Last evaluated: 2021-07-15. Review status: criteria provided, single submitter. Criteria: ACMG Guidelines, 2015. Collection method: clinical testing. Allele origin: germline. Affected: no.

Illumina Laboratory Services, Illumina
Classification: Benign for Dyskeratosis congenita. Last evaluated: 2018-01-12. Review status: criteria provided, single submitter. Criteria: ICSL Variant Classification Criteria 13 December 2019. Collection method: clinical testing. Allele origin: germline.
Comment: This variant was observed in the ICSL laboratory as part of a predisposition screen in an ostensibly healthy population. It had not been previously curated by ICSL or reported in the Human Gene Mutation Database (HGMD: prior to June 1st, 2018), and was therefore a candidate for classification through an automated scoring system. Utilizing variant allele frequency, disease prevalence and penetrance estimates, and inheritance mode, an automated score was calculated to assess if this variant is too frequent to cause the disease. Based on the score and internal cut-off values, a variant classified as benign is not then subjected to further curation. The score for this variant resulted in a classification of benign for this disease.

Genetic Services Laboratory, University of Chicago
Classification: Benign. Last evaluated: 2017-08-18. Review status: criteria provided, single submitter. Criteria: ACMG Guidelines, 2015. Collection method: clinical testing. Allele origin: germline. Affected: no.

PreventionGenetics, part of Exact Sciences
Classification: Benign for CTC1-related condition. Last evaluated: 2019-05-14. Review status: no assertion criteria provided. Collection method: clinical testing. Allele origin: germline. Not counted in ClinVar's aggregate classification.
Comment: This variant is classified as benign based on ACMG/AMP sequence variant interpretation guidelines (Richards et al. 2015 PMID: 25741868, with internal and published modifications).

NM_025099.6(CTC1):c.695G>A (p.Arg232Gln)

Gene: CTC1 (CST telomere replication complex component 1; minus strand). Cytogenetic location: 17p13.1.
Variant type: single nucleotide variant.
Coding change: c.695G>A on transcript NM_025099.6 (MANE Select); coding-DNA position 695, G replaced by A.
Protein change: p.Arg232Gln; replaces arginine 232 with glutamine.
Molecular consequence: missense variant.
Genome position (GRCh38, 1-based): chr17:8,237,472, C>T on the plus strand (G>A on the coding strand, the complement: CTC1 is on the minus strand). VCF-style: chr17-8237472-C-T. GRCh37 (hg19) VCF-style: chr17-8140790-C-T.
Other names: c.695G>A, p.Arg232Gln (LRG_1124t1); short protein forms R232Q.
Identifiers: ClinVar variation 210797 (VCV000210797.23), dbSNP rs201592575, ClinGen allele CA207879.